The following is an entry in ClinVar:

NM_001122659.3(EDNRB):c.1049A>G (p.Tyr350Cys)

Genes: EDNRB (endothelin receptor type B; minus strand), EDNRB-AS1 (EDNRB antisense RNA 1; plus strand). Cytogenetic location: 13q22.3.
Variant type: single nucleotide variant.
Coding change: c.1049A>G on transcript NM_001122659.3 (MANE Select); coding-DNA position 1049, A replaced by G.
Protein change: p.Tyr350Cys; replaces tyrosine 350 with cysteine.
Molecular consequence: missense variant.
Genome position (GRCh38, 1-based): chr13:77,900,557, T>C on the plus strand (A>G on the coding strand, the complement: EDNRB is on the minus strand). VCF-style: chr13-77900557-T-C. GRCh37 (hg19) VCF-style: chr13-78474692-T-C.
Other names: c.1049A>G, p.Tyr350Cys (NM_000115.5, NM_003991.4); c.1319A>G, p.Tyr440Cys (NM_001201397.2); short protein forms Y440C, Y350C.
Identifiers: ClinVar variation 3687600 (VCV003687600.2).

ClinVar aggregate classification (germline): Uncertain significance (1 of 4 stars; one submission).

Submission:

Labcorp Genetics (formerly Invitae), Labcorp
Classification: Uncertain significance. Last evaluated: 2024-07-03. Review status: criteria provided, single submitter. Criteria: Invitae Variant Classification Sherloc (09022015). Collection method: clinical testing. Allele origin: germline.
Comment: This sequence change replaces tyrosine, which is neutral and polar, with cysteine, which is neutral and slightly polar, at codon 350 of the EDNRB protein (p.Tyr350Cys). This variant is not present in population databases (gnomAD no frequency). This variant has not been reported in the literature in individuals affected with EDNRB-related conditions. Advanced modeling of protein sequence and biophysical properties (such as structural, functional, and spatial information, amino acid conservation, physicochemical variation, residue mobility, and thermodynamic stability) performed at Invitae indicates that this missense variant is expected to disrupt EDNRB protein function with a positive predictive value of 80%. In summary, the available evidence is currently insufficient to determine the role of this variant in disease. Therefore, it has been classified as a Variant of Uncertain Significance.